The following is an entry in ClinVar:

NM_017636.4(TRPM4):c.2850_2863delinsACACGCCCGTGGGACAGT (p.Leu951fs)

Gene: TRPM4 (transient receptor potential cation channel subfamily M member 4; plus strand). Cytogenetic location: 19q13.33.
Variant type: Indel.
Coding change: c.2850_2863delinsACACGCCCGTGGGACAGT on transcript NM_017636.4 (MANE Select); coding-DNA positions 2850 to 2863, GCTCCTGAGGCCAC replaced by ACACGCCCGTGGGACAGT.
Protein change: p.Leu951fs; shifts the reading frame from leucine 951.
Molecular consequence: frameshift variant.
Genome position (GRCh38, 1-based): chr19:49,200,682-49,200,695, GCTCCTGAGGCCAC replaced by ACACGCCCGTGGGACAGT. VCF-style: chr19-49200682-GCTCCTGAGGCCAC-ACACGCCCGTGGGACAGT. GRCh37 (hg19) VCF-style: chr19-49703939-GCTCCTGAGGCCAC-ACACGCCCGTGGGACAGT.
Other names: c.2415_2428delinsACACGCCCGTGGGACAGT, p.Leu806fs (NM_001195227.2); c.2505_2518delinsACACGCCCGTGGGACAGT, p.Leu836fs (NM_001321281.2); c.1242_1255delinsACACGCCCGTGGGACAGT, p.Leu415fs (NM_001321282.2); c.2328_2341delinsACACGCCCGTGGGACAGT, p.Leu777fs (NM_001321283.2); c.1788_1801delinsACACGCCCGTGGGACAGT, p.Leu597fs (NM_001321285.2); c.2850_2863del14insACACGCCCGTGGGACAGT (NM_017636.3); short protein forms L415fs, L597fs, L777fs, L806fs, L836fs, L951fs.
Identifiers: ClinVar variation 2878278 (VCV002878278.2), dbSNP rs2514203872, ClinGen allele CA2739276989.

ClinVar aggregate classification (germline): Uncertain significance. Review status: criteria provided, multiple submitters, no conflicts (2 of 4 stars). 2 submissions from 2 submitters: Uncertain significance (2). Last evaluated 2025-09-11.

Conditions:
Cardiovascular phenotype. Identifiers: MedGen CN230736.
Progressive familial heart block type IB (PFHB1B). Identifiers: Orphanet 871, MedGen C1970298, MONDO:0011474, OMIM 604559.

Submissions (2):

Ambry Genetics
Classification: Uncertain significance for Cardiovascular phenotype. Last evaluated: 2025-09-11. Review status: criteria provided, single submitter. Criteria: Ambry Variant Classification Scheme 2023. Collection method: clinical testing. Allele origin: germline.
Comment: The c.2850_2863del14ins18 variant, located in coding exon 19 of the TRPM4 gene, results from the deletion of 14 nucleotides and insertion of 18 nucleotides causing a translational frameshift with a predicted alternate stop codon (p.L951Hfs*9). This alteration is expected to result in protein truncation or nonsense-mediated mRNA decay. However, loss of function has not been established as a mechanism of disease. Based on the available evidence, the clinical significance of this alteration remains unclear.

Labcorp Genetics (formerly Invitae), Labcorp
Classification: Uncertain significance for Progressive familial heart block type IB. Last evaluated: 2023-08-21. Review status: criteria provided, single submitter. Criteria: Invitae Variant Classification Sherloc (09022015). Collection method: clinical testing. Allele origin: germline.
Comment: In summary, the available evidence is currently insufficient to determine the role of this variant in disease. Therefore, it has been classified as a Variant of Uncertain Significance. This variant has not been reported in the literature in individuals affected with TRPM4-related conditions. This variant is not present in population databases (gnomAD no frequency). This sequence change creates a premature translational stop signal (p.Leu951Hisfs*9) in the TRPM4 gene. It is expected to result in an absent or disrupted protein product. However, the current clinical and genetic evidence is not sufficient to establish whether loss-of-function variants in TRPM4 cause disease.